The following is an entry in ClinVar:

ClinVar aggregate classification (germline): Uncertain significance (1 of 4 stars; one submission).

Submission:

Dasa
Classification: Uncertain significance. Last evaluated: 2026-06-01. Review status: criteria provided, single submitter. Criteria: DASA Assertion Criteria. Collection method: clinical testing. Allele origin: germline.
Comment: NM_000810.4(GABRA5):c.848G>A (p.Arg283Gln) is a missense variant that results in the substitution of arginine with glutamine. This variant is rare in population databases. Computational prediction algorithms are consistent with a deleterious effect. The currently available literature and clinical evidence are not sufficient to establish a definitive association between this variant and the reported condition. Therefore, this variant is classified as a variant of uncertain significance.

NM_000810.4(GABRA5):c.848G>A (p.Arg283Gln)

Gene: GABRA5 (gamma-aminobutyric acid type A receptor subunit alpha5; plus strand). Cytogenetic location: 15q12.
Variant type: single nucleotide variant.
Coding change: c.848G>A on transcript NM_000810.4 (MANE Select); coding-DNA position 848, G replaced by A.
Protein change: p.Arg283Gln; replaces arginine 283 with glutamine.
Molecular consequence: missense variant.
Genome position (GRCh38, 1-based): chr15:26,940,048, G>A. VCF-style: chr15-26940048-G-A. GRCh37 (hg19) VCF-style: chr15-27185195-G-A.
Other names: c.848G>A, p.Arg283Gln (NM_001165037.2); short protein forms R283Q.
Identifiers: ClinVar variation 5020449 (VCV005020449.1).